The following is an entry in ClinVar:

ClinVar aggregate classification (germline): Uncertain significance (1 of 4 stars; one submission).

gnomAD v4.1: 1 of 1,613,754 alleles (0.000062%); highest among the groups gnomAD compares: Non-Finnish European, 0.000085%; no homozygotes.

Submission:

Labcorp Genetics (formerly Invitae), Labcorp
Classification: Uncertain significance. Last evaluated: 2022-08-23. Review status: criteria provided, single submitter. Criteria: Invitae Variant Classification Sherloc (09022015). Collection method: clinical testing. Allele origin: germline.
Comment: This sequence change replaces valine, which is neutral and non-polar, with phenylalanine, which is neutral and non-polar, at codon 328 of the PLOD3 protein (p.Val328Phe). This variant is not present in population databases (gnomAD no frequency). This variant has not been reported in the literature in individuals affected with PLOD3-related conditions. Algorithms developed to predict the effect of missense changes on protein structure and function are either unavailable or do not agree on the potential impact of this missense change (SIFT: "Deleterious"; PolyPhen-2: "Benign"; Align-GVGD: "Class C0"). Algorithms developed to predict the effect of sequence changes on RNA splicing suggest that this variant may create or strengthen a splice site. In summary, the available evidence is currently insufficient to determine the role of this variant in disease. Therefore, it has been classified as a Variant of Uncertain Significance.

NM_001084.5(PLOD3):c.982G>T (p.Val328Phe)

Gene: PLOD3 (procollagen-lysine,2-oxoglutarate 5-dioxygenase 3; minus strand). Cytogenetic location: 7q22.1.
Variant type: single nucleotide variant.
Coding change: c.982G>T on transcript NM_001084.5 (MANE Select); coding-DNA position 982, G replaced by T.
Protein change: p.Val328Phe; replaces valine 328 with phenylalanine.
Molecular consequence: missense variant.
Genome position (GRCh38, 1-based): chr7:101,212,553, C>A on the plus strand (G>T on the coding strand, the complement: PLOD3 is on the minus strand). VCF-style: chr7-101212553-C-A. GRCh37 (hg19) VCF-style: chr7-100855834-C-A.
Other names: short protein forms V328F.
Identifiers: ClinVar variation 2091901 (VCV002091901.2), dbSNP rs146795873, ClinGen allele CA368619292.